The following is an entry in ClinVar:

ClinVar aggregate classification (germline): Pathogenic (1 of 4 stars; one submission).

Conditions:
Intellectual developmental disorder, autosomal dominant 1. Also called: Intellectual disability, autosomal dominant 1; MBD5 Haploinsufficiency. Identifiers: Orphanet 228402, MedGen C1969562, MONDO:0007974, OMIM 156200.

Submission:

Labcorp Genetics (formerly Invitae), Labcorp
Classification: Pathogenic for Intellectual developmental disorder, autosomal dominant 1. Last evaluated: 2024-05-22. Review status: criteria provided, single submitter. Criteria: Invitae Variant Classification Sherloc (09022015). Collection method: clinical testing. Allele origin: germline.
Comment: This sequence change creates a premature translational stop signal (p.Gln786*) in the MBD5 gene. It is expected to result in an absent or disrupted protein product. Loss-of-function variants in MBD5 are known to be pathogenic (PMID: 23422940, 23587880). This variant is not present in population databases (gnomAD no frequency). This variant has not been reported in the literature in individuals affected with MBD5-related conditions. ClinVar contains an entry for this variant (Variation ID: 1427792). For these reasons, this variant has been classified as Pathogenic.

Literature cited by the submitters: PubMed 23422940; PubMed 23587880.

NM_001378120.1(MBD5):c.2356C>T (p.Gln786Ter)

Gene: MBD5 (methyl-CpG binding domain protein 5; plus strand). Cytogenetic location: 2q23.1.
Variant type: single nucleotide variant.
Coding change: c.2356C>T on transcript NM_001378120.1 (MANE Select); coding-DNA position 2356, C replaced by T.
Protein change: p.Gln786Ter; replaces glutamine 786 with a stop codon.
Molecular consequence: nonsense.
Genome position (GRCh38, 1-based): chr2:148,470,299, C>T. VCF-style: chr2-148470299-C-T. GRCh37 (hg19) VCF-style: chr2-149227868-C-T.
Other names: c.2356C>T, p.Gln786Ter (NM_018328.5); short protein forms Q786*.
Identifiers: ClinVar variation 1427792 (VCV001427792.6), dbSNP rs2105642195, ClinGen allele CA348721683.
Genomic context (GRCh38, chr2:148,470,299, plus strand): 5'-ACTAACTTTGTTCACAGTAACAGTCCAGTCCCCAACCACCATCTTGCAGGTTTAATAAAT[C>T]AGATTCAGGCTAGCGGGAACTGTGGGATGCTCAGTCAGTCGGGCATGGCTTTAGGAAATT-3'